The following is an entry in ClinVar:

NM_003906.5(MCM3AP):c.539A>G (p.His180Arg)

Gene: MCM3AP (minichromosome maintenance complex component 3 associated protein; minus strand). Cytogenetic location: 21q22.3.
Variant type: single nucleotide variant.
Coding change: c.539A>G on transcript NM_003906.5 (MANE Select); coding-DNA position 539, A replaced by G.
Protein change: p.His180Arg; replaces histidine 180 with arginine.
Molecular consequence: missense variant.
Genome position (GRCh38, 1-based): chr21:46,284,748, T>C on the plus strand (A>G on the coding strand, the complement: MCM3AP is on the minus strand). VCF-style: chr21-46284748-T-C. GRCh37 (hg19) VCF-style: chr21-47704662-T-C.
Other names: short protein forms H180R.
Identifiers: ClinVar variation 1978263 (VCV001978263.4), dbSNP rs2517439811, ClinGen allele CA410536391.

ClinVar aggregate classification (germline): Uncertain significance (1 of 4 stars; one submission).

Allele frequency attached by ClinVar (database versions not stated): gnomAD exomes below 0.00001.
gnomAD v4.1: 1 of 1,613,810 alleles (0.000062%); highest among the groups gnomAD compares: Non-Finnish European, 0.000085%; no homozygotes.

Submission:

Labcorp Genetics (formerly Invitae), Labcorp
Classification: Uncertain significance. Last evaluated: 2022-01-26. Review status: criteria provided, single submitter. Criteria: Invitae Variant Classification Sherloc (09022015). Collection method: clinical testing. Allele origin: germline.
Comment: In summary, the available evidence is currently insufficient to determine the role of this variant in disease. Therefore, it has been classified as a Variant of Uncertain Significance. Algorithms developed to predict the effect of missense changes on protein structure and function output the following: SIFT: "Tolerated"; PolyPhen-2: "Benign"; Align-GVGD: "Class C0". The arginine amino acid residue is found in multiple mammalian species, which suggests that this missense change does not adversely affect protein function. This variant has not been reported in the literature in individuals affected with MCM3AP-related conditions. This variant is not present in population databases (gnomAD no frequency). This sequence change replaces histidine, which is basic and polar, with arginine, which is basic and polar, at codon 180 of the MCM3AP protein (p.His180Arg).